The following is an entry in ClinVar:

ClinVar aggregate classification (germline): Pathogenic (1 of 4 stars; one submission).

Conditions:
Telangiectasia, hereditary hemorrhagic, type 2 (HHT2). Also called: Telangiectasia, hereditary hemorrhagic, type II; ACVRL1-Related Hereditary Hemorrhagic Telangiectasia. Identifiers: Orphanet 774, MedGen C1838163, MONDO:0010880, OMIM 600376. Disease mechanism: loss of function.

Submission:

Labcorp Genetics (formerly Invitae), Labcorp
Classification: Pathogenic for Telangiectasia, hereditary hemorrhagic, type 2. Last evaluated: 2025-11-25. Review status: criteria provided, single submitter. Criteria: Invitae Variant Classification Sherloc (09022015). Collection method: clinical testing. Allele origin: germline.
Comment: This sequence change creates a premature translational stop signal (p.Pro30Aspfs*5) in the ACVRL1 gene. It is expected to result in an absent or disrupted protein product. Loss-of-function variants in ACVRL1 are known to be pathogenic (PMID: 15879500). This variant is not present in population databases (gnomAD no frequency). This variant has not been reported in the literature in individuals affected with ACVRL1-related conditions. For these reasons, this variant has been classified as Pathogenic.

Literature cited by the submitters: PubMed 15879500.

NM_000020.3(ACVRL1):c.87_94del (p.Pro30fs)

Gene: ACVRL1 (activin A receptor like type 1; plus strand). Cytogenetic location: 12q13.13.
Variant type: Deletion.
Coding change: c.87_94del on transcript NM_000020.3 (MANE Select); coding-DNA positions 87 to 94, 8 bases deleted (CCCGCTGG; older notation c.87_94delCCCGCTGG).
Protein change: p.Pro30fs; shifts the reading frame from proline 30.
Molecular consequence: frameshift variant. On other transcripts: intron variant (1).
Genome position (GRCh38, 1-based): chr12:51,913,124-51,913,131, CCCGCTGG deleted; deleting any 8 consecutive bases within chr12:51,913,122-51,913,131 gives the same sequence; the c. name uses the placement nearest the transcript's 3' end. VCF-style (leftmost placement, unchanged base first): chr12-51913121-GGGCCCGCT-G. GRCh37 (hg19) VCF-style: chr12-52306905-GGGCCCGCT-G.
Other names: c.87_94del, p.Pro30fs (NM_001077401.2, NM_001406487.1, NM_001406488.1 and 6 more transcripts); c.61+589_61+596del (NM_001406495.1); short protein forms P30fs.
Identifiers: ClinVar variation 4728240 (VCV004728240.1).